The following is an entry in ClinVar:

ClinVar aggregate classification (germline): Uncertain significance (1 of 4 stars; one submission).

Conditions:
Neurofibromatosis, type 1 (NF1). Also called: Peripheral type neurofibromatosis; Neurofibromatosis, type I; VON RECKLINGHAUSEN DISEASE; NEUROFIBROMATOSIS, TYPE I, SOMATIC. Identifiers: Orphanet 636, MedGen C0027831, MONDO:0018975, OMIM 162200. Disease mechanism: loss of function.

Submission:

Labcorp Genetics (formerly Invitae), Labcorp
Classification: Uncertain significance for Neurofibromatosis, type 1. Last evaluated: 2020-02-24. Review status: criteria provided, single submitter. Criteria: Invitae Variant Classification Sherloc (09022015). Collection method: clinical testing. Allele origin: germline.
Comment: In summary, the available evidence is currently insufficient to determine the role of this variant in disease. Therefore, it has been classified as a Variant of Uncertain Significance. Algorithms developed to predict the effect of missense changes on protein structure and function are either unavailable or do not agree on the potential impact of this missense change (SIFT: "Deleterious"; PolyPhen-2: "Probably Damaging"; Align-GVGD: "Class C0"). This variant has not been reported in the literature in individuals with NF1-related conditions. This variant is not present in population databases (ExAC no frequency). This sequence change replaces phenylalanine with tyrosine at codon 2693 of the NF1 protein (p.Phe2693Tyr). The phenylalanine residue is moderately conserved and there is a small physicochemical difference between phenylalanine and tyrosine.

NM_001042492.3(NF1):c.8141T>A (p.Phe2714Tyr)

Gene: NF1 (neurofibromin 1; plus strand). Cytogenetic location: 17q11.2.
Variant type: single nucleotide variant.
Coding change: c.8141T>A on transcript NM_001042492.3 (MANE Select); coding-DNA position 8141, T replaced by A.
Protein change: p.Phe2714Tyr; replaces phenylalanine 2714 with tyrosine.
Molecular consequence: missense variant.
Genome position (GRCh38, 1-based): chr17:31,358,996, T>A. VCF-style: chr17-31358996-T-A. GRCh37 (hg19) VCF-style: chr17-29686014-T-A.
Other names: c.8078T>A, p.Phe2693Tyr (NM_000267.4); short protein forms F2693Y, F2714Y.
Identifiers: ClinVar variation 1054117 (VCV001054117.5), dbSNP rs2151586035, ClinGen allele CA399204193.
Genomic context (GRCh38, chr17:31,358,996, plus strand): 5'-CTTGTTATAAGAGTAAAATTTGATTTGTTGCAGGTTTTGGTTTTAATGGCTTGTGGCGGT[T>A]TGCAGGACCGTTTTCAAAGGTAAGAAAATATATTTTTCTCTAACTTTTGGCAAAATGAAG-3'
Protein context (NP_001035957.1, residues 2704-2724): QSFGFNGLWR[Phe2714Tyr]AGPFSKQTQI